The following is an entry in ClinVar:

ClinVar aggregate classification (germline): Likely pathogenic (1 of 4 stars; one submission).

Conditions:
Gorlin syndrome. Also called: Nevoid Basal Cell Carcinoma Syndrome; Basal cell nevus syndrome. Identifiers: Orphanet 377, MedGen C0004779, MONDO:0007187.

Submission:

Labcorp Genetics (formerly Invitae), Labcorp
Classification: Likely pathogenic for Gorlin syndrome. Last evaluated: 2022-01-11. Review status: criteria provided, single submitter. Criteria: Invitae Variant Classification Sherloc (09022015). Collection method: clinical testing. Allele origin: germline.
Comment: This sequence change affects a donor splice site in intron 1 of the PTCH1 gene. It is expected to disrupt RNA splicing. Variants that disrupt the donor or acceptor splice site typically lead to a loss of protein function (PMID: 16199547), and loss-of-function variants in PTCH1 are known to be pathogenic (PMID: 16301862, 16419085). In summary, the currently available evidence indicates that the variant is pathogenic, but additional data are needed to prove that conclusively. Therefore, this variant has been classified as Likely Pathogenic. Algorithms developed to predict the effect of sequence changes on RNA splicing suggest that this variant may disrupt the consensus splice site. This variant has not been reported in the literature in individuals affected with PTCH1-related conditions. This variant is not present in population databases (gnomAD no frequency).

Literature cited by the submitters: PubMed 16199547; PubMed 16301862; PubMed 16419085.

NM_000264.5(PTCH1):c.201+1G>T

Gene: PTCH1 (patched 1; minus strand). Cytogenetic location: 9q22.32.
Variant type: single nucleotide variant.
Coding change: c.201+1G>T on transcript NM_000264.5 (MANE Select); the canonical splice donor site of the intron after coding-DNA position 201, G replaced by T.
Molecular consequence: splice donor variant. On other transcripts: intron variant (3).
Genome position (GRCh38, 1-based): chr9:95,508,160, C>A on the plus strand (G>T on the coding strand, the complement: PTCH1 is on the minus strand). VCF-style: chr9-95508160-C-A. GRCh37 (hg19) VCF-style: chr9-98270442-C-A.
Other names: c.199-1561G>T (NM_001083603.3); c.4-1561G>T (NM_001083602.3, NM_001354919.2); c.201+1G>T (NM_001354918.2).
Identifiers: ClinVar variation 2078249 (VCV002078249.4), dbSNP rs1131690967, ClinGen allele CA374121234.
Genomic context (GRCh38, chr9:95,508,160, plus strand): 5'-GGGCGATCCCAAAGAGTTAGAGGAGGGAAGAGAAAGTGGGAGGAGAGAGTCTGAAATGCA[C>A]CTTGGAAATCTGCTCCAGAGCGAAGGCGGCGTCGCAGTAGCTGGGCCGGTGCAGATAGTC-3'